The following is an entry in ClinVar:

ClinVar aggregate classification (germline): Likely benign. Review status: criteria provided, multiple submitters, no conflicts (2 of 4 stars). 2 submissions from 2 submitters: Likely benign (2). Last evaluated 2025-02-19.

Conditions:
Breast-ovarian cancer, familial, susceptibility to, 3. Also called: RAD51C-Related Breast/Ovarian Cancer. Identifiers: Orphanet 145, MedGen C3150659, MONDO:0013253, OMIM 613399.
Fanconi anemia complementation group O. Also called: RAD51C-Related Fanconi Anemia. Identifiers: Orphanet 84, MedGen C3150653, MONDO:0013248, OMIM 613390.

Submissions (2):

Myriad Genetics, Inc.
Classification: Likely benign for Breast-ovarian cancer, familial, susceptibility to, 3. Last evaluated: 2025-02-19. Review status: criteria provided, single submitter. Criteria: Myriad Autosomal Dominant, Autosomal Recessive and X-Linked Classification Criteria (2023). Collection method: clinical testing. Allele origin: unknown.
Comment: This variant is considered likely benign. This variant is intronic and is not expected to impact mRNA splicing.

Labcorp Genetics (formerly Invitae), Labcorp
Classification: Likely benign for Fanconi anemia complementation group O. Last evaluated: 2023-10-03. Review status: criteria provided, single submitter. Criteria: Invitae Variant Classification Sherloc (09022015). Collection method: clinical testing. Allele origin: germline.

NM_058216.3(RAD51C):c.904+7A>C

Gene: RAD51C (RAD51 paralog C; plus strand). Cytogenetic location: 17q22.
Variant type: single nucleotide variant.
Coding change: c.904+7A>C on transcript NM_058216.3 (MANE Select); 7 bases into the intron after coding-DNA position 904, A replaced by C.
Molecular consequence: intron variant.
Genome position (GRCh38, 1-based): chr17:58,720,819, A>C. VCF-style: chr17-58720819-A-C. GRCh37 (hg19) VCF-style: chr17-56798180-A-C.
Identifiers: ClinVar variation 487253 (VCV000487253.11), dbSNP rs1555602171, ClinGen allele CA658658628.